The following is an entry in ClinVar:

NM_000094.4(COL7A1):c.2200G>T (p.Glu734Ter)

Gene: COL7A1 (collagen type VII alpha 1 chain; minus strand). Cytogenetic location: 3p21.31.
Variant type: single nucleotide variant.
Coding change: c.2200G>T on transcript NM_000094.4 (MANE Select); coding-DNA position 2200, G replaced by T.
Protein change: p.Glu734Ter; replaces glutamic acid 734 with a stop codon.
Molecular consequence: nonsense.
Genome position (GRCh38, 1-based): chr3:48,589,441, C>A on the plus strand (G>T on the coding strand, the complement: COL7A1 is on the minus strand). VCF-style: chr3-48589441-C-A. GRCh37 (hg19) VCF-style: chr3-48626874-C-A.
Other names: short protein forms E734*.
Identifiers: ClinVar variation 2734525 (VCV002734525.3), dbSNP rs1478676614, ClinGen allele CA352724718.

ClinVar aggregate classification (germline): Pathogenic (1 of 4 stars; one submission).

Submission:

Labcorp Genetics (formerly Invitae), Labcorp
Classification: Pathogenic. Last evaluated: 2023-09-26. Review status: criteria provided, single submitter. Criteria: Invitae Variant Classification Sherloc (09022015). Collection method: clinical testing. Allele origin: germline.
Comment: For these reasons, this variant has been classified as Pathogenic. Algorithms developed to predict the effect of sequence changes on RNA splicing suggest that this variant may create or strengthen a splice site. This premature translational stop signal has been observed in individual(s) with autosomal recessive dystrophic epidermolysis bullosa (PMID: 27899325, 33969388). This variant is not present in population databases (gnomAD no frequency). This sequence change creates a premature translational stop signal (p.Glu734*) in the COL7A1 gene. It is expected to result in an absent or disrupted protein product. Loss-of-function variants in COL7A1 are known to be pathogenic (PMID: 16971478).

Literature cited by the submitters: PubMed 27899325; PubMed 33969388; PubMed 16971478.